The following is an entry in ClinVar:

ClinVar aggregate classification (germline): Uncertain significance (1 of 4 stars; one submission).

Submission:

Labcorp Genetics (formerly Invitae), Labcorp
Classification: Uncertain significance. Last evaluated: 2025-01-22. Review status: criteria provided, single submitter. Criteria: Invitae Variant Classification Sherloc (09022015). Collection method: clinical testing. Allele origin: germline.
Comment: This sequence change replaces asparagine, which is neutral and polar, with histidine, which is basic and polar, at codon 1223 of the ALPK3 protein (p.Asn1223His). This variant is not present in population databases (gnomAD no frequency). This variant has not been reported in the literature in individuals affected with ALPK3-related conditions. Invitae Evidence Modeling of protein sequence and biophysical properties (such as structural, functional, and spatial information, amino acid conservation, physicochemical variation, residue mobility, and thermodynamic stability) indicates that this missense variant is expected to disrupt ALPK3 protein function with a positive predictive value of 80%. In summary, the available evidence is currently insufficient to determine the role of this variant in disease. Therefore, it has been classified as a Variant of Uncertain Significance.

NM_020778.5(ALPK3):c.3061A>C (p.Asn1021His)

Gene: ALPK3 (alpha kinase 3; plus strand). Cytogenetic location: 15q25.3.
Variant type: single nucleotide variant.
Coding change: c.3061A>C on transcript NM_020778.5 (MANE Select); coding-DNA position 3061, A replaced by C.
Protein change: p.Asn1021His; replaces asparagine 1021 with histidine.
Molecular consequence: missense variant.
Genome position (GRCh38, 1-based): chr15:84,857,799, A>C. VCF-style: chr15-84857799-A-C. GRCh37 (hg19) VCF-style: chr15-85401030-A-C.
Other names: short protein forms N1021H.
Identifiers: ClinVar variation 3711977 (VCV003711977.2).